The following is an entry in ClinVar:

NM_005876.5(SPEG):c.9710G>C (p.Arg3237Pro)

Genes: ASIC4-AS1 (ASIC4 antisense RNA 1; minus strand), SPEG (striated muscle enriched protein kinase; plus strand). Cytogenetic location: 2q35.
Variant type: single nucleotide variant.
Coding change: c.9710G>C on transcript NM_005876.5 (MANE Select); coding-DNA position 9710, G replaced by C.
Protein change: p.Arg3237Pro; replaces arginine 3237 with proline.
Molecular consequence: missense variant.
Genome position (GRCh38, 1-based): chr2:219,492,692, G>C. VCF-style: chr2-219492692-G-C. GRCh37 (hg19) VCF-style: chr2-220357414-G-C.
Other names: short protein forms R3237P.
Identifiers: ClinVar variation 2264692 (VCV002264692.3), dbSNP rs563295911, ClinGen allele CA350719834.
Genomic context (GRCh38, chr2:219,492,692, plus strand): 5'-GGTTGCAGGACGCCTACCTGATGAAGCTGCGCCGCCAGACGCTCACCTTCACCACCAACC[G>C]GCTCAAGGAGTTCCTGGGCGAGCAGCGGCGGCGCCGGGCTGAGGCTGCCACCCGCCACAA-3'
Protein context (NP_005867.3, residues 3227-3247): RRQTLTFTTN[Arg3237Pro]LKEFLGEQRR

ClinVar aggregate classification (germline): Uncertain significance. Review status: criteria provided, multiple submitters, no conflicts (2 of 4 stars). 2 submissions from 2 submitters: Uncertain significance (2). Last evaluated 2024-05-28.

Conditions:
Inborn genetic diseases. Identifiers: MedGen C0950123, MeSH D030342.

gnomAD v4.1: 5 of 1,609,272 alleles (0.00031%); highest among the groups gnomAD compares: African/African-American, 0.004%; no homozygotes.

Submissions (2):

Labcorp Genetics (formerly Invitae), Labcorp
Classification: Uncertain significance. Last evaluated: 2024-05-28. Review status: criteria provided, single submitter. Criteria: Invitae Variant Classification Sherloc (09022015). Collection method: clinical testing. Allele origin: germline.
Comment: This sequence change replaces arginine, which is basic and polar, with proline, which is neutral and non-polar, at codon 3237 of the SPEG protein (p.Arg3237Pro). This variant is present in population databases (no rsID available, gnomAD 0.01%). This variant has not been reported in the literature in individuals affected with SPEG-related conditions. ClinVar contains an entry for this variant (Variation ID: 2264692). An algorithm developed to predict the effect of missense changes on protein structure and function (PolyPhen-2) suggests that this variant is likely to be disruptive. In summary, the available evidence is currently insufficient to determine the role of this variant in disease. Therefore, it has been classified as a Variant of Uncertain Significance.

Ambry Genetics
Classification: Uncertain significance for Inborn genetic diseases. Last evaluated: 2021-12-03. Review status: criteria provided, single submitter. Criteria: Ambry Variant Classification Scheme 2023. Collection method: clinical testing. Allele origin: germline.